The following is an entry in ClinVar:

NM_020442.6(VARS2):c.1632+38A>G

Gene: VARS2 (valyl-tRNA synthetase 2, mitochondrial; plus strand). Cytogenetic location: 6p21.33.
Variant type: single nucleotide variant.
Coding change: c.1632+38A>G on transcript NM_020442.6 (MANE Select); 38 bases into the intron after coding-DNA position 1632, A replaced by G.
Molecular consequence: intron variant.
Genome position (GRCh38, 1-based): chr6:30,921,343, A>G. VCF-style: chr6-30921343-A-G. GRCh37 (hg19) VCF-style: chr6-30889120-A-G.
Other names: c.1722+38A>G (NM_001167734.2); c.1212+38A>G (NM_001167733.3).
Identifiers: ClinVar variation 1292278 (VCV001292278.4), dbSNP rs2532943, ClinGen allele CA3705982.
Genomic context (GRCh38, chr6:30,921,343, plus strand): 5'-TGGTTGTAGAGGACCATGCGCAGGTGGGTAGGAAGAAGCACCCGGAGGGCCGAGTGTGGC[A>G]CAGAGCACCTAGCCCAGGAGTCAGAGCTCCGCAGGGCCAAGTCCCGCTCCTGCCTGGTCA-3'

ClinVar aggregate classification (germline): Benign. Review status: criteria provided, multiple submitters, no conflicts (2 of 4 stars). 2 submissions from 2 submitters: Benign (2). Last evaluated 2024-07-31.

Allele frequency attached by ClinVar (database versions not stated): 1000 Genomes Project 30x 0.22064; 1000 Genomes Project 0.22204; TOPMed 0.26291; gnomAD 0.27869 and 0.27962; ESP Exome Variant Server 0.29186; gnomAD exomes 0.31620 and 0.34069; ExAC 0.32229.
gnomAD v4.1: 538,075 of 1,611,722 alleles (33%); highest among the groups gnomAD compares: Non-Finnish European, 36%; 93,459 homozygotes.

Submissions (2):

Unidad de Genómica Garrahan, Hospital de Pediatría Garrahan
Classification: Benign. Last evaluated: 2024-07-31. Review status: criteria provided, single submitter. Criteria: ACMG Guidelines, 2015. Collection method: clinical testing. Allele origin: germline. Affected: no. Observed: 45 variant alleles.
Comment: This variant is classified as Benign based on local population frequency. This variant was detected in 48% of patients studied in a panel designed for Epileptic and Developmental Encephalopathy, Progressive Myoclonus Epilepsy and Abnormal Movements and Neurodegeneration with brain iron accumulation. Number of patients: 45. Only high quality variants are reported.

GeneDx
Classification: Benign. Last evaluated: 2018-06-23. Review status: criteria provided, single submitter. Criteria: GeneDx Variant Classification Process June 2021. Collection method: clinical testing. Allele origin: germline. Affected: yes.